The following is an entry in ClinVar:

ClinVar aggregate classification (germline): Pathogenic (1 of 4 stars; one submission).

Conditions:
Primary ciliary dyskinesia. Also called: Ciliary dyskinesia. Identifiers: Orphanet 244, MedGen C0008780, MONDO:0016575, HP:0012265.

Submission:

Labcorp Genetics (formerly Invitae), Labcorp
Classification: Pathogenic for Primary ciliary dyskinesia. Last evaluated: 2023-05-15. Review status: criteria provided, single submitter. Criteria: Invitae Variant Classification Sherloc (09022015). Collection method: clinical testing. Allele origin: germline.
Comment: For these reasons, this variant has been classified as Pathogenic. This variant disrupts a region of the DNAI1 protein in which other variant(s) (p.Lys667Asnfs*24) have been determined to be pathogenic (Invitae). This suggests that this is a clinically significant region of the protein, and that variants that disrupt it are likely to be disease-causing. This variant has not been reported in the literature in individuals affected with DNAI1-related conditions. This variant is not present in population databases (gnomAD no frequency). This sequence change creates a premature translational stop signal (p.Asp648Glnfs*43) in the DNAI1 gene. While this is not anticipated to result in nonsense mediated decay, it is expected to disrupt the last 52 amino acid(s) of the DNAI1 protein.

NM_012144.4(DNAI1):c.1941_1942insCA (p.Asp648fs)

Gene: DNAI1 (dynein axonemal intermediate chain 1; plus strand). Cytogenetic location: 9p13.3.
Variant type: Insertion.
Coding change: c.1941_1942insCA on transcript NM_012144.4 (MANE Select); coding-DNA positions 1941 to 1942, CA inserted.
Protein change: p.Asp648fs; shifts the reading frame from aspartic acid 648.
Molecular consequence: frameshift variant.
Genome position: GRCh38 VCF-style: chr9-34517407-C-CCA. GRCh37 (hg19) VCF-style: chr9-34517405-C-CCA.
Other names: c.1953_1954insCA, p.Asp652fs (NM_001281428.2); short protein forms D648fs, D652fs.
Identifiers: ClinVar variation 2834859 (VCV002834859.3), dbSNP rs2492136416, ClinGen allele CA2739269231.